The following is an entry in ClinVar:

ClinVar aggregate classification (germline): Uncertain significance. Review status: criteria provided, multiple submitters, no conflicts (2 of 4 stars). 2 submissions from 2 submitters: Uncertain significance (2). Last evaluated 2025-10-29.

Conditions:
Inborn genetic diseases. Identifiers: MedGen C0950123, MeSH D030342.

Allele frequency attached by ClinVar (database versions not stated): gnomAD exomes 0.00005 and 0.00004; TOPMed 0.00005; gnomAD 0.00006; ExAC 0.00007.
gnomAD v4.1: 66 of 1,613,836 alleles (0.0041%); highest among the groups gnomAD compares: Middle Eastern, 0.033%; no homozygotes.

Submissions (2):

Ambry Genetics
Classification: Uncertain significance for Inborn genetic diseases. Last evaluated: 2025-10-29. Review status: criteria provided, single submitter. Criteria: Ambry Variant Classification Scheme 2023. Collection method: clinical testing. Allele origin: germline.

Labcorp Genetics (formerly Invitae), Labcorp
Classification: Uncertain significance. Last evaluated: 2022-10-13. Review status: criteria provided, single submitter. Criteria: Invitae Variant Classification Sherloc (09022015). Collection method: clinical testing. Allele origin: germline.
Comment: This sequence change replaces aspartic acid, which is acidic and polar, with asparagine, which is neutral and polar, at codon 2099 of the PCLO protein (p.Asp2099Asn). This variant is present in population databases (rs748018357, gnomAD 0.01%). This variant has not been reported in the literature in individuals affected with PCLO-related conditions. ClinVar contains an entry for this variant (Variation ID: 1466687). Algorithms developed to predict the effect of missense changes on protein structure and function are either unavailable or do not agree on the potential impact of this missense change (SIFT: "Tolerated"; PolyPhen-2: "Not Available"; Align-GVGD: "Class C0"). In summary, the available evidence is currently insufficient to determine the role of this variant in disease. Therefore, it has been classified as a Variant of Uncertain Significance.

NM_033026.6(PCLO):c.6295G>A (p.Asp2099Asn)

Gene: PCLO (piccolo presynaptic cytomatrix protein; minus strand). Cytogenetic location: 7q21.11.
Variant type: single nucleotide variant.
Coding change: c.6295G>A on transcript NM_033026.6 (MANE Select); coding-DNA position 6295, G replaced by A.
Protein change: p.Asp2099Asn; replaces aspartic acid 2099 with asparagine.
Molecular consequence: missense variant.
Genome position (GRCh38, 1-based): chr7:82,954,658, C>T on the plus strand (G>A on the coding strand, the complement: PCLO is on the minus strand). VCF-style: chr7-82954658-C-T. GRCh37 (hg19) VCF-style: chr7-82583974-C-T.
Other names: c.6295G>A, p.Asp2099Asn (NM_014510.3); c.6295G>A (NM_033026.5); short protein forms D2099N.
Identifiers: ClinVar variation 1466687 (VCV001466687.4), dbSNP rs748018357, ClinGen allele CA4320499.